The following is an entry in ClinVar:

ClinVar aggregate classification (germline): Uncertain significance (1 of 4 stars; one submission).

Conditions:
Hereditary cancer-predisposing syndrome. Also called: Hereditary Cancer Syndrome; Hereditary neoplastic syndrome; Neoplastic Syndromes, Hereditary; Tumor predisposition. Identifiers: Orphanet 140162, MedGen C0027672, MeSH D009386, MONDO:0015356.

Submission:

Ambry Genetics
Classification: Uncertain significance for Hereditary cancer-predisposing syndrome. Last evaluated: 2020-09-24. Review status: criteria provided, single submitter. Criteria: Ambry Variant Classification Scheme 2023. Collection method: clinical testing. Allele origin: germline.
Comment: The p.K465I variant (also known as c.1394A>T), located in coding exon 10 of the NBN gene, results from an A to T substitution at nucleotide position 1394. The lysine at codon 465 is replaced by isoleucine, an amino acid with dissimilar properties. This amino acid position is highly conserved in available vertebrate species. In addition, the in silico prediction for this alteration is inconclusive. Since supporting evidence is limited at this time, the clinical significance of this alteration remains unclear.

NM_002485.5(NBN):c.1394A>T (p.Lys465Ile)

Gene: NBN (nibrin; minus strand). Cytogenetic location: 8q21.3.
Variant type: single nucleotide variant.
Coding change: c.1394A>T on transcript NM_002485.5 (MANE Select); coding-DNA position 1394, A replaced by T.
Protein change: p.Lys465Ile; replaces lysine 465 with isoleucine.
Molecular consequence: missense variant.
Genome position (GRCh38, 1-based): chr8:89,955,286, T>A on the plus strand (A>T on the coding strand, the complement: NBN is on the minus strand). VCF-style: chr8-89955286-T-A. GRCh37 (hg19) VCF-style: chr8-90967514-T-A.
Other names: c.1148A>T, p.Lys383Ile (NM_001024688.3); short protein forms K383I, K465I.
Identifiers: ClinVar variation 1771589 (VCV001771589.2), dbSNP rs2488242145, ClinGen allele CA371655953.